The following is an entry in ClinVar:

NM_173630.4(RTTN):c.6149A>G (p.Gln2050Arg)

Gene: RTTN (rotatin; minus strand). Cytogenetic location: 18q22.2.
Variant type: single nucleotide variant.
Coding change: c.6149A>G on transcript NM_173630.4 (MANE Select); coding-DNA position 6149, A replaced by G.
Protein change: p.Gln2050Arg; replaces glutamine 2050 with arginine.
Molecular consequence: missense variant.
Genome position (GRCh38, 1-based): chr18:70,020,619, T>C on the plus strand (A>G on the coding strand, the complement: RTTN is on the minus strand). VCF-style: chr18-70020619-T-C. GRCh37 (hg19) VCF-style: chr18-67687855-T-C.
Other names: c.3413A>G, p.Gln1138Arg (NM_001318520.2); short protein forms Q1138R, Q2050R.
Identifiers: ClinVar variation 1306025 (VCV001306025.2), dbSNP rs2145521626, ClinGen allele CA402684195.

ClinVar aggregate classification (germline): Uncertain significance (1 of 4 stars; one submission).

Submission:

GeneDx
Classification: Uncertain significance. Last evaluated: 2019-02-22. Review status: criteria provided, single submitter. Criteria: GeneDx Variant Classification Process June 2021. Collection method: clinical testing. Allele origin: germline. Affected: yes.
Comment: Not observed in large population cohorts (Lek et al., 2016); In silico analysis, which includes protein predictors and evolutionary conservation, supports that this variant does not alter protein structure/function; Has not been previously published as pathogenic or benign to our knowledge